The following is an entry in ClinVar:

NM_004946.3(DOCK2):c.2315G>A (p.Arg772Gln)

Gene: DOCK2 (dedicator of cytokinesis 2; plus strand). Cytogenetic location: 5q35.1.
Variant type: single nucleotide variant.
Coding change: c.2315G>A on transcript NM_004946.3 (MANE Select); coding-DNA position 2315, G replaced by A.
Protein change: p.Arg772Gln; replaces arginine 772 with glutamine.
Molecular consequence: missense variant. On other transcripts: non-coding transcript variant (1).
Genome position (GRCh38, 1-based): chr5:169,747,443, G>A. VCF-style: chr5-169747443-G-A. GRCh37 (hg19) VCF-style: chr5-169174447-G-A.
Other names: short protein forms R772Q.
Identifiers: ClinVar variation 835049 (VCV000835049.8), dbSNP rs1232157605, ClinGen allele CA362196151.

ClinVar aggregate classification (germline): Uncertain significance. Review status: criteria provided, multiple submitters, no conflicts (2 of 4 stars). 2 submissions from 2 submitters: Uncertain significance (2). Last evaluated 2023-12-16.

Conditions:
Inborn genetic diseases. Identifiers: MedGen C0950123, MeSH D030342.
DOCK2 deficiency. Also called: Immunodeficiency 40. Identifiers: Orphanet 447737, MedGen C4225328, MONDO:0014637, OMIM 616433.

Allele frequency attached by ClinVar (database versions not stated): TOPMed 0.00001; gnomAD 0.00003 and 0.00004.
gnomAD v4.1: 13 of 1,613,536 alleles (0.00081%); highest among the groups gnomAD compares: African/African-American, 0.0053%; no homozygotes.

Submissions (2):

Ambry Genetics
Classification: Uncertain significance for Inborn genetic diseases. Last evaluated: 2023-12-16. Review status: criteria provided, single submitter. Criteria: Ambry Variant Classification Scheme 2023. Collection method: clinical testing. Allele origin: germline.

Labcorp Genetics (formerly Invitae), Labcorp
Classification: Uncertain significance for DOCK2 deficiency. Last evaluated: 2023-12-07. Review status: criteria provided, single submitter. Criteria: Invitae Variant Classification Sherloc (09022015). Collection method: clinical testing. Allele origin: germline.
Comment: This sequence change replaces arginine, which is basic and polar, with glutamine, which is neutral and polar, at codon 772 of the DOCK2 protein (p.Arg772Gln). The frequency data for this variant in the population databases is considered unreliable, as metrics indicate poor data quality at this position in the gnomAD database. This variant has not been reported in the literature in individuals affected with DOCK2-related conditions. ClinVar contains an entry for this variant (Variation ID: 835049). An algorithm developed to predict the effect of missense changes on protein structure and function (PolyPhen-2) suggests that this variant¬†is likely to be tolerated. In summary, the available evidence is currently insufficient to determine the role of this variant in disease. Therefore, it has been classified as a Variant of Uncertain Significance.